The following is an entry in ClinVar:

ClinVar aggregate classification (germline): Conflicting classifications of pathogenicity. Review status: criteria provided, conflicting classifications (1 of 4 stars). 4 submissions from 4 submitters: Uncertain significance (3); Likely benign (1). Last evaluated 2026-01-07.

Conditions:
Glomerulopathy with fibronectin deposits 2 (GFND2). Identifiers: Orphanet 84090, MedGen C1866075, MONDO:0011165, OMIM 601894.
Spondylometaphyseal dysplasia - Sutcliffe type. Also called: Sutcliffe type of spondylometaphyseal dysplasia; Sutcliffe SMD; Spondylometaphyseal dysplasia, 'corner fracture' type; Spondylometaphyseal Dysplasia, Corner Fracture Type. Identifiers: Orphanet 93315, MedGen C0432221, MONDO:0008479, OMIM 184255.
Inborn genetic diseases. Identifiers: MedGen C0950123, MeSH D030342.

Allele frequency attached by ClinVar (database versions not stated): gnomAD exomes 0.00009 and 0.00006; ExAC 0.00014; 1000 Genomes Project 0.00060; 1000 Genomes Project 30x 0.00078; gnomAD 0.00004 and 0.00005; TOPMed 0.00006.
gnomAD v4.1: 91 of 1,614,210 alleles (0.0056%); highest among the groups gnomAD compares: African/African-American, 0.019%; no homozygotes.

Submissions (4):

Labcorp Genetics (formerly Invitae), Labcorp
Classification: Likely benign. Last evaluated: 2026-01-07. Review status: criteria provided, single submitter. Criteria: Invitae Variant Classification Sherloc (09022015). Collection method: clinical testing. Allele origin: germline.

Johns Hopkins Genomics, Johns Hopkins University
Classification: Uncertain significance for Glomerulopathy with fibronectin deposits 2. Last evaluated: 2024-03-28. Review status: criteria provided, single submitter. Criteria: ACMG Guidelines, 2015. Collection method: clinical testing. Allele origin: germline.
Comment: This FN1 missense variant (rs181283286) is rare (<0.1%) in a large population dataset (gnomAD v4.0.0: 91/1614210 total alleles; 0.006%; no homozygotes). It has been reported in ClinVar (Variation ID 1043875), but has not been reported in the literature, to our knowledge. Of two bioinformatics tools queried, one predicts that the substitution would be damaging, while the other predicts that it would be tolerated, and the asparagine residue at this position is evolutionarily conserved across all of the species assessed. We consider the clinical significance of c.1247A>G in FN1 to be uncertain at this time.

Ambry Genetics
Classification: Uncertain significance for Inborn genetic diseases. Last evaluated: 2024-01-09. Review status: criteria provided, single submitter. Criteria: Ambry Variant Classification Scheme 2023. Collection method: clinical testing. Allele origin: germline.

Fulgent Genetics
Classification: Uncertain significance for Spondylometaphyseal dysplasia - Sutcliffe type; Glomerulopathy with fibronectin deposits 2. Last evaluated: 2021-07-02. Review status: criteria provided, single submitter. Criteria: ACMG Guidelines, 2015. Collection method: clinical testing. Allele origin: unknown.

NM_212482.4(FN1):c.1247A>G (p.Asn416Ser)

Genes: FN1 (fibronectin 1; minus strand), LOC126806498 (CDK7 strongly-dependent group 2 enhancer GRCh37_chr2:216288045-216289244; plus strand). Cytogenetic location: 2q35.
Variant type: single nucleotide variant.
Coding change: c.1247A>G on transcript NM_212482.4 (MANE Select); coding-DNA position 1247, A replaced by G.
Protein change: p.Asn416Ser; replaces asparagine 416 with serine.
Molecular consequence: missense variant.
Genome position (GRCh38, 1-based): chr2:215,423,496, T>C on the plus strand (A>G on the coding strand, the complement: FN1 is on the minus strand). VCF-style: chr2-215423496-T-C. GRCh37 (hg19) VCF-style: chr2-216288219-T-C.
Other names: c.1247A>G, p.Asn416Ser (NM_212478.3, NM_001306129.2, NM_001306130.2 and 14 more transcripts); c.1247A>G (NM_212482.1); short protein forms N416S.
Identifiers: ClinVar variation 1043875 (VCV001043875.10), dbSNP rs181283286, ClinGen allele CA2095325.